The following is an entry in ClinVar:

ClinVar aggregate classification (germline): Uncertain significance (1 of 4 stars; one submission).

Conditions:
T-cell immunodeficiency, congenital alopecia, and nail dystrophy. Also called: Congenital alopecia and nail dystrophy associated with severe functional T-cell immunodeficiency; Pignata Guarino syndrome. Identifiers: Orphanet 169095, MedGen C1866426, MONDO:0011132, OMIM 601705.

Submission:

Labcorp Genetics (formerly Invitae), Labcorp
Classification: Uncertain significance for T-cell immunodeficiency, congenital alopecia, and nail dystrophy. Last evaluated: 2022-09-14. Review status: criteria provided, single submitter. Criteria: Invitae Variant Classification Sherloc (09022015). Collection method: clinical testing. Allele origin: germline.
Comment: In summary, the available evidence is currently insufficient to determine the role of this variant in disease. Therefore, it has been classified as a Variant of Uncertain Significance. Advanced modeling of protein sequence and biophysical properties (such as structural, functional, and spatial information, amino acid conservation, physicochemical variation, residue mobility, and thermodynamic stability) performed at Invitae indicates that this missense variant is not expected to disrupt FOXN1 protein function. ClinVar contains an entry for this variant (Variation ID: 1059069). This variant has not been reported in the literature in individuals affected with FOXN1-related conditions. This variant is not present in population databases (gnomAD no frequency). This sequence change replaces serine, which is neutral and polar, with asparagine, which is neutral and polar, at codon 374 of the FOXN1 protein (p.Ser374Asn).

NM_001369369.1(FOXN1):c.1121G>A (p.Ser374Asn)

Gene: FOXN1 (forkhead box N1; plus strand). Cytogenetic location: 17q11.2.
Variant type: single nucleotide variant.
Coding change: c.1121G>A on transcript NM_001369369.1 (MANE Select); coding-DNA position 1121, G replaced by A.
Protein change: p.Ser374Asn; replaces serine 374 with asparagine.
Molecular consequence: missense variant.
Genome position (GRCh38, 1-based): chr17:28,534,524, G>A. VCF-style: chr17-28534524-G-A. GRCh37 (hg19) VCF-style: chr17-26861542-G-A.
Other names: c.1121G>A, p.Ser374Asn (NM_003593.3); short protein forms S374N.
Identifiers: ClinVar variation 1059069 (VCV001059069.5), dbSNP rs2151498169, ClinGen allele CA398325090.